The following is an entry in ClinVar:

ClinVar aggregate classification (germline): Uncertain significance (1 of 4 stars; one submission).

Allele frequency attached by ClinVar (database versions not stated): gnomAD 0.00004; 1000 Genomes Project 30x 0.00016.

Submission:

GeneDx
Classification: Uncertain significance. Last evaluated: 2020-01-10. Review status: criteria provided, single submitter. Criteria: GeneDx Variant Classification Process June 2021. Collection method: clinical testing. Allele origin: germline. Affected: yes.
Comment: In silico analysis, which includes protein predictors and evolutionary conservation, supports a deleterious effect; Has not been previously published as pathogenic or benign to our knowledge

NM_004667.6(HERC2):c.9832G>A (p.Val3278Met)

Gene: HERC2 (HECT and RLD domain containing E3 ubiquitin protein ligase 2; minus strand). Cytogenetic location: 15q13.1.
Variant type: single nucleotide variant.
Coding change: c.9832G>A on transcript NM_004667.6 (MANE Select); coding-DNA position 9832, G replaced by A.
Protein change: p.Val3278Met; replaces valine 3278 with methionine.
Molecular consequence: missense variant.
Genome position (GRCh38, 1-based): chr15:28,174,620, C>T on the plus strand (G>A on the coding strand, the complement: HERC2 is on the minus strand). VCF-style: chr15-28174620-C-T. GRCh37 (hg19) VCF-style: chr15-28419766-C-T.
Other names: short protein forms V3278M.
Identifiers: ClinVar variation 1320898 (VCV001320898.2), dbSNP rs770387934, ClinGen allele CA7441030.